The following is an entry in ClinVar:

NM_020207.7(ERCC6L2):c.1826A>G (p.Asn609Ser)

Gene: ERCC6L2 (ERCC excision repair 6 like 2; plus strand). Cytogenetic location: 9q22.32.
Variant type: single nucleotide variant.
Coding change: c.1826A>G on transcript NM_020207.7 (MANE Select); coding-DNA position 1826, A replaced by G.
Protein change: p.Asn609Ser; replaces asparagine 609 with serine.
Molecular consequence: missense variant. On other transcripts: non-coding transcript variant (1).
Genome position (GRCh38, 1-based): chr9:95,941,528, A>G. VCF-style: chr9-95941528-A-G. GRCh37 (hg19) VCF-style: chr9-98703810-A-G.
Other names: c.1826A>G, p.Asn609Ser (NM_001010895.4, NM_001375291.1, NM_001375292.1 and 2 more transcripts); short protein forms N609S.
Identifiers: ClinVar variation 1338046 (VCV001338046.10), dbSNP rs200972525, ClinGen allele CA5139697.

ClinVar aggregate classification (germline): Uncertain significance. Review status: criteria provided, multiple submitters, no conflicts (2 of 4 stars). 4 submissions from 4 submitters: Uncertain significance (4). Last evaluated 2025-01-28.

Conditions:
Inborn genetic diseases. Identifiers: MedGen C0950123, MeSH D030342.

Allele frequency attached by ClinVar (database versions not stated): gnomAD exomes 0.00006 and 0.00015; gnomAD 0.00008; ExAC 0.00010.
gnomAD v4.1: 104 of 1,613,000 alleles (0.0064%); highest among the groups gnomAD compares: Admixed American, 0.058%; no homozygotes.

Submissions (4):

Ambry Genetics
Classification: Uncertain significance for Inborn genetic diseases. Last evaluated: 2025-01-28. Review status: criteria provided, single submitter. Criteria: Ambry Variant Classification Scheme 2023. Collection method: clinical testing. Allele origin: germline.

Labcorp Genetics (formerly Invitae), Labcorp
Classification: Uncertain significance. Last evaluated: 2024-05-20. Review status: criteria provided, single submitter. Criteria: Invitae Variant Classification Sherloc (09022015). Collection method: clinical testing. Allele origin: germline.
Comment: This sequence change replaces asparagine, which is neutral and polar, with serine, which is neutral and polar, at codon 620 of the ERCC6L2 protein (p.Asn620Ser). This variant is present in population databases (rs200972525, gnomAD 0.09%). This variant has not been reported in the literature in individuals affected with ERCC6L2-related conditions. ClinVar contains an entry for this variant (Variation ID: 1338046). Experimental studies and prediction algorithms are not available or were not evaluated, and the functional significance of this variant is currently unknown. In summary, the available evidence is currently insufficient to determine the role of this variant in disease. Therefore, it has been classified as a Variant of Uncertain Significance.

Blueprint Genetics
Classification: Uncertain significance. Last evaluated: 2022-07-26. Review status: criteria provided, single submitter. Criteria: ACMG Guidelines, 2015. Collection method: clinical testing. Allele origin: germline.

Genetic Services Laboratory, University of Chicago
Classification: Uncertain significance. Last evaluated: 2021-08-13. Review status: criteria provided, single submitter. Criteria: ACMG Guidelines, 2015. Collection method: clinical testing. Allele origin: germline. Affected: no.
Comment: DNA sequence analysis of the ERCC6L2 gene demonstrated a sequence change, c.1859A>G, in exon 12 that results in an amino acid change, p.Asn620Ser. This sequence change has been described in the gnomAD database with frequency of 0.088% in the Latino/Admixed American subpopulation (dbSNP rs200972525). The p.Asn620Ser change affects a moderately conserved amino acid residue located in a domain of the ERCC6L2 protein that is not known to be functional. The p.Asn620Ser substitution appears to be benign using several in-silico pathogenicity prediction tools (SIFT, PolyPhen2, Align GVGD, REVEL). This sequence change does not appear to have been previously described in individuals with ERCC6L2-related disorders. Due to insufficient evidences and the lack of functional studies, the clinical significance of the p.Asn620Ser change remains unknown at this time.